The following is an entry in ClinVar:

NM_000179.3(MSH6):c.2560A>G (p.Lys854Glu)

Gene: MSH6 (mutS homolog 6; plus strand). Cytogenetic location: 2p16.3.
Variant type: single nucleotide variant.
Coding change: c.2560A>G on transcript NM_000179.3 (MANE Select); coding-DNA position 2560, A replaced by G.
Protein change: p.Lys854Glu; replaces lysine 854 with glutamic acid.
Molecular consequence: missense variant.
Genome position (GRCh38, 1-based): chr2:47,800,543, A>G. VCF-style: chr2-47800543-A-G. GRCh37 (hg19) VCF-style: chr2-48027682-A-G.
Other names: c.2170A>G, p.Lys724Glu (NM_001281492.2); c.1654A>G, p.Lys552Glu (NM_001281493.2, NM_001281494.2); short protein forms K724E, K854E, K552E.
Identifiers: ClinVar variation 1345829 (VCV001345829.8), dbSNP rs2104412640, ClinGen allele CA346754648.

ClinVar aggregate classification (germline): Uncertain significance (1 of 4 stars; one submission).

Conditions:
Hereditary nonpolyposis colorectal neoplasms. Identifiers: MedGen C0009405, MeSH D003123.

Submission:

Labcorp Genetics (formerly Invitae), Labcorp
Classification: Uncertain significance for Hereditary nonpolyposis colorectal neoplasms. Last evaluated: 2021-04-16. Review status: criteria provided, single submitter. Criteria: Invitae Variant Classification Sherloc (09022015). Collection method: clinical testing. Allele origin: germline.
Comment: In summary, the available evidence is currently insufficient to determine the role of this variant in disease. Therefore, it has been classified as a Variant of Uncertain Significance. Algorithms developed to predict the effect of missense changes on protein structure and function (SIFT, PolyPhen-2, Align-GVGD) all suggest that this variant is likely to be disruptive, but these predictions have not been confirmed by published functional studies and their clinical significance is uncertain. This variant has not been reported in the literature in individuals with MSH6-related conditions. This variant is not present in population databases (ExAC no frequency). This sequence change replaces lysine with glutamic acid at codon 854 of the MSH6 protein (p.Lys854Glu). The lysine residue is highly conserved and there is a small physicochemical difference between lysine and glutamic acid.